The following is an entry in ClinVar:

ClinVar aggregate classification (germline): Uncertain significance (1 of 4 stars; one submission).

Conditions:
Colorectal cancer, hereditary nonpolyposis, type 7. Identifiers: Orphanet 144, MedGen C1858380, MONDO:0013725, OMIM 614385.

Submission:

Labcorp Genetics (formerly Invitae), Labcorp
Classification: Uncertain significance for Colorectal cancer, hereditary nonpolyposis, type 7. Last evaluated: 2025-09-27. Review status: criteria provided, single submitter. Criteria: Invitae Variant Classification Sherloc (09022015). Collection method: clinical testing. Allele origin: germline.
Comment: This sequence change creates a premature translational stop signal (p.Ser1137*) in the MLH3 gene. It is expected to result in an absent or disrupted protein product. However, the current clinical and genetic evidence is not sufficient to establish whether loss-of-function variants in MLH3 cause disease. This variant is not present in population databases (gnomAD no frequency). This variant has not been reported in the literature in individuals affected with MLH3-related conditions. Algorithms developed to predict the effect of sequence changes on RNA splicing suggest that this variant may disrupt the consensus splice site. In summary, the available evidence is currently insufficient to determine the role of this variant in disease. Therefore, it has been classified as a Variant of Uncertain Significance.

NM_001040108.2(MLH3):c.3410C>A (p.Ser1137Ter)

Gene: MLH3 (mutL homolog 3; minus strand). Cytogenetic location: 14q24.3.
Variant type: single nucleotide variant.
Coding change: c.3410C>A on transcript NM_001040108.2 (MANE Select); coding-DNA position 3410, C replaced by A.
Protein change: p.Ser1137Ter; replaces serine 1137 with a stop codon.
Molecular consequence: nonsense.
Genome position (GRCh38, 1-based): chr14:75,041,670, G>T on the plus strand (C>A on the coding strand, the complement: MLH3 is on the minus strand). VCF-style: chr14-75041670-G-T. GRCh37 (hg19) VCF-style: chr14-75508373-G-T.
Other names: c.3410C>A, p.Ser1137Ter (NM_014381.3); short protein forms S1137*.
Identifiers: ClinVar variation 4737713 (VCV004737713.1).